The following is an entry in ClinVar:

NM_002206.3(ITGA7):c.790+5G>A

Gene: ITGA7 (integrin subunit alpha 7; minus strand). Cytogenetic location: 12q13.2.
Variant type: single nucleotide variant.
Coding change: c.790+5G>A on transcript NM_002206.3 (MANE Select); 5 bases into the intron after coding-DNA position 790, G replaced by A.
Molecular consequence: intron variant.
Genome position (GRCh38, 1-based): chr12:55,699,865, C>T on the plus strand (G>A on the coding strand, the complement: ITGA7 is on the minus strand). VCF-style: chr12-55699865-C-T. GRCh37 (hg19) VCF-style: chr12-56093649-C-T.
Other names: c.511+397G>A (NM_001144997.2); c.463+397G>A (NM_001367993.1); c.451+5G>A (NM_001414035.1); c.607+5G>A (NM_001414033.1); c.-502-948G>A (NM_001367994.1); c.671-948G>A (NM_001414032.1); c.790+5G>A (NM_001414031.1, NM_001374465.1, NM_001414034.1); c.802+397G>A (NM_001414030.1, NM_001414029.1, NM_001144996.2); and 1 more.
Identifiers: ClinVar variation 2968120 (VCV002968120.3), dbSNP rs1304237615, ClinGen allele CA605190175.

ClinVar aggregate classification (germline): Uncertain significance (1 of 4 stars; one submission).

Conditions:
Congenital muscular dystrophy due to integrin alpha-7 deficiency. Also called: Congenital muscular dystrophy with integrin alpha-7 deficiency; Muscular dystrophy, congenital, due to ITGA7 deficiency; MYOPATHY, CONGENITAL, DUE TO INTEGRIN ALPHA-7 DEFICIENCY. Identifiers: Orphanet 34520, MedGen C2750786, MONDO:0013177, OMIM 613204.

Allele frequency attached by ClinVar (database versions not stated): gnomAD exomes below 0.00001; TOPMed below 0.00001.
gnomAD v4.1: 1 of 1,602,460 alleles (0.000062%); highest among the groups gnomAD compares: Admixed American, 0.0017%; no homozygotes.

Submission:

Labcorp Genetics (formerly Invitae), Labcorp
Classification: Uncertain significance for Congenital muscular dystrophy due to integrin alpha-7 deficiency. Last evaluated: 2022-05-12. Review status: criteria provided, single submitter. Criteria: Invitae Variant Classification Sherloc (09022015). Collection method: clinical testing. Allele origin: germline.
Comment: This sequence change falls in intron 5 of the ITGA7 gene. It does not directly change the encoded amino acid sequence of the ITGA7 protein. It affects a nucleotide within the consensus splice site. In summary, the available evidence is currently insufficient to determine the role of this variant in disease. Therefore, it has been classified as a Variant of Uncertain Significance. Variants that disrupt the consensus splice site are a relatively common cause of aberrant splicing (PMID: 17576681, 9536098). Algorithms developed to predict the effect of sequence changes on RNA splicing suggest that this variant may disrupt the consensus splice site. This variant has not been reported in the literature in individuals affected with ITGA7-related conditions. The frequency data for this variant in the population databases is considered unreliable, as metrics indicate poor data quality at this position in the gnomAD database.

Literature cited by the submitters: PubMed 17576681; PubMed 9536098.